The following is an entry in ClinVar:

ClinVar aggregate classification (germline): Uncertain significance (1 of 4 stars; one submission).

Allele frequency attached by ClinVar (database versions not stated): gnomAD 0.00001; TOPMed 0.00001; ESP Exome Variant Server 0.00008; ExAC 0.00002.
gnomAD v4.1: 11 of 1,614,096 alleles (0.00068%); highest among the groups gnomAD compares: Non-Finnish European, 0.00093%; no homozygotes.

Submission:

Labcorp Genetics (formerly Invitae), Labcorp
Classification: Uncertain significance. Last evaluated: 2025-12-01. Review status: criteria provided, single submitter. Criteria: Invitae Variant Classification Sherloc (09022015). Collection method: clinical testing. Allele origin: germline.
Comment: This sequence change replaces serine, which is neutral and polar, with phenylalanine, which is neutral and non-polar, at codon 1261 of the COL2A1 protein (p.Ser1261Phe). This variant is present in population databases (rs370247812, gnomAD 0.0009%). This missense change has been observed in individual(s) with adolescent idiopathic scoliosis (PMID: 26566670). ClinVar contains an entry for this variant (Variation ID: 2970635). Invitae Evidence Modeling of protein sequence and biophysical properties (such as structural, functional, and spatial information, amino acid conservation, physicochemical variation, residue mobility, and thermodynamic stability) indicates that this missense variant is expected to disrupt COL2A1 protein function with a positive predictive value of 95%. In summary, the available evidence is currently insufficient to determine the role of this variant in disease. Therefore, it has been classified as a Variant of Uncertain Significance.

Literature cited by the submitters: PubMed 26566670.

NM_001844.5(COL2A1):c.3782C>T (p.Ser1261Phe)

Gene: COL2A1 (collagen type II alpha 1 chain; minus strand). Cytogenetic location: 12q13.11.
Variant type: single nucleotide variant.
Coding change: c.3782C>T on transcript NM_001844.5 (MANE Select); coding-DNA position 3782, C replaced by T.
Protein change: p.Ser1261Phe; replaces serine 1261 with phenylalanine.
Molecular consequence: missense variant.
Genome position (GRCh38, 1-based): chr12:47,975,421, G>A on the plus strand (C>T on the coding strand, the complement: COL2A1 is on the minus strand). VCF-style: chr12-47975421-G-A. GRCh37 (hg19) VCF-style: chr12-48369204-G-A.
Other names: c.3575C>T, p.Ser1192Phe (NM_033150.3); short protein forms S1192F, S1261F.
Identifiers: ClinVar variation 2970635 (VCV002970635.3), dbSNP rs370247812, ClinGen allele CA6534643.